The following is an entry in ClinVar:

NM_015665.6(AAAS):c.679T>C (p.Leu227=)

Gene: AAAS (aladin WD repeat nucleoporin; minus strand). Cytogenetic location: 12q13.13.
Variant type: single nucleotide variant.
Coding change: c.679T>C on transcript NM_015665.6 (MANE Select); coding-DNA position 679, T replaced by C.
Protein change: p.Leu227=; no amino-acid change (leucine 227 retained).
Molecular consequence: synonymous variant.
Genome position (GRCh38, 1-based): chr12:53,314,308, A>G on the plus strand (T>C on the coding strand, the complement: AAAS is on the minus strand). VCF-style: chr12-53314308-A-G. GRCh37 (hg19) VCF-style: chr12-53708092-A-G.
Other names: p.Leu227=; c.580T>C, p.Leu194= (NM_001173466.2).
Identifiers: ClinVar variation 128251 (VCV000128251.48), dbSNP rs80027466, ClinGen allele CA230844.

ClinVar aggregate classification (germline): Conflicting classifications of pathogenicity. Review status: criteria provided, conflicting classifications (1 of 4 stars). 5 submissions from 5 submitters: Uncertain significance (1); Benign (4). Last evaluated 2026-01-28.

Allele frequency attached by ClinVar (database versions not stated): TOPMed 0.00390; gnomAD 0.00392 and 0.00407; gnomAD exomes 0.00482 and 0.00567; 1000 Genomes Project 30x 0.00484; ESP Exome Variant Server 0.00492; 1000 Genomes Project 0.00499; ExAC 0.00522.

Submissions (5):

Labcorp Genetics (formerly Invitae), Labcorp
Classification: Benign. Last evaluated: 2026-01-28. Review status: criteria provided, single submitter. Criteria: Invitae Variant Classification Sherloc (09022015). Collection method: clinical testing. Allele origin: germline.

CeGaT Center for Human Genetics Tuebingen
Classification: Benign. Last evaluated: 2025-03-01. Review status: criteria provided, single submitter. Criteria: CeGaT Center For Human Genetics Tuebingen Variant Classification Criteria Version 2. Collection method: clinical testing. Allele origin: germline. Affected: yes. Observed: 9 variant alleles.
Comment: AAAS: BP4, BP7, BS1, BS2

Mayo Clinic Laboratories, Mayo Clinic
Classification: Benign. Last evaluated: 2023-07-07. Review status: criteria provided, single submitter. Criteria: ACMG Guidelines, 2015. Collection method: clinical testing. Allele origin: germline. Observed: 16 variant alleles.

GeneDx
Classification: Benign. Last evaluated: 2015-04-15. Review status: criteria provided, single submitter. Criteria: GeneDx Variant Classification (06012015). Collection method: clinical testing. Allele origin: germline. Affected: yes.
Comment: This variant is considered likely benign or benign based on one or more of the following criteria: it is a conservative change, it occurs at a poorly conserved position in the protein, it is predicted to be benign by multiple in silico algorithms, and/or has population frequency not consistent with disease.

Genetic Services Laboratory, University of Chicago
Classification: Uncertain significance. Last evaluated: 2014-03-06. Review status: criteria provided, single submitter. Criteria: ACMG Guidelines, 2007. Collection method: clinical testing. Allele origin: germline. Inheritance: Autosomal recessive inheritance.